The following is an entry in ClinVar:

ClinVar aggregate classification (germline): Uncertain significance (1 of 4 stars; one submission).

Conditions:
Nephronophthisis. Also called: Juvenile Nephronophthisis. Identifiers: Orphanet 655, MedGen C0687120, MONDO:0019005, HP:0000090.

gnomAD v4.1: 4 of 1,613,866 alleles (0.00025%); highest among the groups gnomAD compares: Admixed American, 0.0033%; no homozygotes.

Submission:

Labcorp Genetics (formerly Invitae), Labcorp
Classification: Uncertain significance for Nephronophthisis. Last evaluated: 2023-11-27. Review status: criteria provided, single submitter. Criteria: Invitae Variant Classification Sherloc (09022015). Collection method: clinical testing. Allele origin: germline.
Comment: This sequence change replaces proline, which is neutral and non-polar, with leucine, which is neutral and non-polar, at codon 15 of the NPHP4 protein (p.Pro15Leu). This variant is present in population databases (no rsID available, gnomAD 0.006%). This variant has not been reported in the literature in individuals affected with NPHP4-related conditions. ClinVar contains an entry for this variant (Variation ID: 2066687). An algorithm developed to predict the effect of missense changes on protein structure and function (PolyPhen-2) suggests that this variant is likely to be tolerated. In summary, the available evidence is currently insufficient to determine the role of this variant in disease. Therefore, it has been classified as a Variant of Uncertain Significance.

NM_015102.5(NPHP4):c.44C>T (p.Pro15Leu)

Gene: NPHP4 (nephrocystin 4; minus strand). Cytogenetic location: 1p36.31.
Variant type: single nucleotide variant.
Coding change: c.44C>T on transcript NM_015102.5 (MANE Select); coding-DNA position 44, C replaced by T.
Protein change: p.Pro15Leu; replaces proline 15 with leucine.
Molecular consequence: missense variant. On other transcripts: 5 prime UTR variant (1), non-coding transcript variant (1), intron variant (1).
Genome position (GRCh38, 1-based): chr1:5,986,246, G>A on the plus strand (C>T on the coding strand, the complement: NPHP4 is on the minus strand). VCF-style: chr1-5986246-G-A. GRCh37 (hg19) VCF-style: chr1-6046306-G-A.
Other names: c.-1186C>T (NM_001291593.2); c.-1088+5998C>T (NM_001291594.2); short protein forms P15L.
Identifiers: ClinVar variation 2066687 (VCV002066687.4), dbSNP rs765503010, ClinGen allele CA338055188.